The following is an entry in ClinVar:

ClinVar aggregate classification (germline): Benign (3 of 4 stars; one submission).

Conditions:
Breast-ovarian cancer, familial, susceptibility to, 1 (BROVCA1). Also called: BRCA1 Hereditary Breast and Ovarian Cancer; OVARIAN CANCER, SUSCEPTIBILITY TO. Identifiers: Orphanet 145, MedGen C2676676, MONDO:0011450, OMIM 604370. Disease mechanism: loss of function.

Submission:

Evidence-based Network for the Interpretation of Germline Mutant Alleles (ENIGMA)
Classification: Benign for Breast-ovarian cancer, familial 1. Last evaluated: 2015-01-12. Review status: reviewed by expert panel. Criteria: ENIGMA BRCA1/2 Classification Criteria (2015). Collection method: curation. Allele origin: germline.
Comment: Class 1 not pathogenic based on frequency >1% in an outbred sampleset. Frequency 0.04 (Asian), 0.05 (European), derived from 1000 genomes (2012-04-30).

NM_007294.4(BRCA1):c.4185+879del

Gene: BRCA1 (BRCA1 DNA repair associated; minus strand). Cytogenetic location: 17q21.31.
Variant type: Deletion.
Coding change: c.4185+879del on transcript NM_007294.4 (MANE Select); 879 bases into the intron after coding-DNA position 4185, one base deleted (T; older notation c.4185+879delT).
Molecular consequence: intron variant.
Genome position (GRCh38, 1-based): chr17:43,090,065, A deleted on the plus strand (T on the coding strand, the reverse complement: BRCA1 is on the minus strand); the first of 2 consecutive A bases (chr17:43,090,065-43,090,066); deleting either gives the same sequence. VCF-style (leftmost placement, unchanged base first): chr17-43090064-GA-G. GRCh37 (hg19) VCF-style: chr17-41242081-GA-G.
Other names: IVS 12+879del; c.735+879del (NM_001408458.1, NM_001408469.1, NM_001408453.1 and 11 more transcripts); c.3297+879del (NM_001407967.1, NM_001407966.1); c.3804+879del (NM_001407959.1, NM_001407963.1, NM_001407960.1); c.3918+879del (NM_001407931.1, NM_001407932.1, NM_001407934.1 and 2 more transcripts); c.4041+879del (NM_001407747.1, NM_001407848.1, NM_001407839.1 and 20 more transcripts); c.3801+879del (NM_001407962.1); c.372+879del (NM_001408512.1); and 42 more.
Identifiers: ClinVar variation 209438 (VCV000209438.2), dbSNP rs77684117, ClinGen allele CA276410.